The following is an entry in ClinVar:

NM_006922.4(SCN3A):c.38G>T (p.Ser13Ile)

Gene: SCN3A (sodium voltage-gated channel alpha subunit 3; minus strand). Cytogenetic location: 2q24.3.
Variant type: single nucleotide variant.
Coding change: c.38G>T on transcript NM_006922.4 (MANE Select); coding-DNA position 38, G replaced by T.
Protein change: p.Ser13Ile; replaces serine 13 with isoleucine.
Molecular consequence: missense variant.
Genome position (GRCh38, 1-based): chr2:165,176,357, C>A on the plus strand (G>T on the coding strand, the complement: SCN3A is on the minus strand). VCF-style: chr2-165176357-C-A. GRCh37 (hg19) VCF-style: chr2-166032867-C-A.
Other names: c.38G>T, p.Ser13Ile (NM_001081676.2, NM_001081677.2); c.38G>T (NM_006922.3); short protein forms S13I.
Identifiers: ClinVar variation 2729405 (VCV002729405.5), dbSNP rs1161052432, ClinGen allele CA349241206.

ClinVar aggregate classification (germline): Uncertain significance. Review status: criteria provided, multiple submitters, no conflicts (2 of 4 stars). 3 submissions from 3 submitters: Uncertain significance (3). Last evaluated 2026-06-17.

Conditions:
Inborn genetic diseases. Identifiers: MedGen C0950123, MeSH D030342.

Allele frequency attached by ClinVar (database versions not stated): gnomAD exomes 0.00001; gnomAD 0.00001; TOPMed 0.00001.
gnomAD v4.1: 10 of 1,613,968 alleles (0.00062%); highest among the groups gnomAD compares: Non-Finnish European, 0.00076%; no homozygotes.

Submissions (3):

Ambry Genetics
Classification: Uncertain significance for Inborn genetic diseases. Last evaluated: 2026-06-17. Review status: criteria provided, single submitter. Criteria: Ambry Variant Classification Scheme 2023. Collection method: clinical testing. Allele origin: germline.
Comment: The c.38G>T (p.S13I) alteration is located in exon 3 (coding exon 1) of the SCN3A gene. This alteration results from a G to T substitution at nucleotide position 38, causing the serine (S) at amino acid position 13 to be replaced by an isoleucine (I). Based on data from gnomAD, the T allele has an overall frequency of <0.001% (1/251218) total alleles studied. The highest observed frequency was 0.001% (1/113532) of European (non-Finnish) alleles. Based on insufficient or conflicting evidence, the clinical significance of this alteration remains unclear.

Labcorp Genetics (formerly Invitae), Labcorp
Classification: Uncertain significance. Last evaluated: 2025-11-17. Review status: criteria provided, single submitter. Criteria: Invitae Variant Classification Sherloc (09022015). Collection method: clinical testing. Allele origin: germline.
Comment: This sequence change replaces serine, which is neutral and polar, with isoleucine, which is neutral and non-polar, at codon 13 of the SCN3A protein (p.Ser13Ile). This variant is not present in population databases (gnomAD no frequency). This variant has not been reported in the literature in individuals affected with SCN3A-related conditions. ClinVar contains an entry for this variant (Variation ID: 2729405). Invitae Evidence Modeling of protein sequence and biophysical properties (such as structural, functional, and spatial information, amino acid conservation, physicochemical variation, residue mobility, and thermodynamic stability) indicates that this missense variant is not expected to disrupt SCN3A protein function with a negative predictive value of 95%. In summary, the available evidence is currently insufficient to determine the role of this variant in disease. Therefore, it has been classified as a Variant of Uncertain Significance.

GeneDx
Classification: Uncertain significance. Last evaluated: 2024-08-28. Review status: criteria provided, single submitter. Criteria: GeneDx Variant Classification Process June 2021. Collection method: clinical testing. Allele origin: germline. Affected: yes.
Comment: Not observed at significant frequency in large population cohorts (gnomAD); In silico analysis supports that this missense variant has a deleterious effect on protein structure/function; Has not been previously published as pathogenic or benign to our knowledge